The following is an entry in ClinVar:

ClinVar aggregate classification (germline): Pathogenic. Review status: criteria provided, multiple submitters, no conflicts (2 of 4 stars). 13 submissions from 10 submitters: Pathogenic (8). 5 of the submissions do not count toward it. Last evaluated 2026-07-31.

Conditions:
Autosomal recessive limb-girdle muscular dystrophy type 2O. Also called: MUSCULAR DYSTROPHY-DYSTROGLYCANOPATHY (LIMB-GIRDLE), TYPE C, 3; MUSCULAR DYSTROPHY-DYSTROGLYCANOPATHY, LIMB-GIRDLE, POMGNT1-RELATED; Limb-Girdle Muscular Dystrophy Type 3C. Identifiers: Orphanet 206564, MedGen C3150417, MONDO:0013161, OMIM 613157.
Muscular dystrophy-dystroglycanopathy (congenital with impaired intellectual development), type B, 3. Also called: Muscular dystrophy-dystroglycanopathy (congenital with intellectual disability), type B3; MUSCULAR DYSTROPHY, CONGENITAL, POMGNT1-RELATED. Identifiers: MedGen C3150412, MONDO:0013155, OMIM 613151.
Retinitis pigmentosa 76 (RP76). Identifiers: MedGen C4310704, MONDO:0014929, OMIM 617123.
Muscular dystrophy-dystroglycanopathy (congenital with brain and eye anomalies), type A3. Also called: Muscular dystrophy-dystroglycanopathy (congenital with brain and eye anomalies), type A, 3; Congenital muscular dystrophy-dystroglycanopathy with brain and eye anomalies, type A3; WALKER-WARBURG SYNDROME OR MUSCLE-EYE-BRAIN DISEASE, POMGNT1-RELATED. Identifiers: MedGen C3151519, MONDO:0009667, OMIM 253280.
POMGNT1-related disorder. Also called: POMGNT1-related condition; POMGNT1-related disorders. Identifiers: MedGen CN239299.
Muscle eye brain disease (MEB). Also called: Santavuori congenital muscular dystrophy. Identifiers: Orphanet 588, Orphanet 899, MedGen C0457133, MONDO:0018939.

Allele frequency attached by ClinVar (database versions not stated): gnomAD exomes below 0.00001; gnomAD 0.00001; TOPMed 0.00001.
gnomAD v4.1: 4 of 1,614,006 alleles (0.00025%); highest among the groups gnomAD compares: African/African-American, 0.0013%; no homozygotes.

Submissions (13):

GeneDx
Classification: Pathogenic. Last evaluated: 2026-07-31. Review status: criteria provided, single submitter. Criteria: GeneDx Variant Classification Process June 2021. Collection method: clinical testing. Allele origin: germline.
Comment: Nonsense variant predicted to result in protein truncation or nonsense mediated decay in a gene for which loss of function is a known mechanism of disease; Not observed at significant frequency in large population cohorts (gnomAD); This variant is associated with the following publications: (PMID: 17906881, 25525159, 19299310, 17030669, 22554691)

PreventionGenetics, part of Exact Sciences
Classification: Pathogenic for POMGNT1-related condition. Last evaluated: 2025-04-30. Review status: criteria provided, single submitter. Criteria: ACMG Guidelines, 2015. Collection method: clinical testing. Allele origin: germline.
Comment: The POMGNT1 c.931C>T variant is predicted to result in premature protein termination (p.Arg311*). This variant has been reported in the compound heterozygous state with other loss-of-function POMGNT1 variants in two individuals with muscle-eye-brain disease (Biancheri et al. 2006. PubMed ID: 17030669; Saredi et al. 2012. PubMed ID: 22554691). This variant has not been reported in a large population database (gnomAD), indicating it is rare. Nonsense variants in POMGNT1 are expected to be pathogenic. This variant is interpreted as pathogenic.

Natera, Inc.
Classification: Pathogenic for Muscle-eye-brain disease. Last evaluated: 2024-12-07. Review status: criteria provided, single submitter. Criteria: Natera Variant Classification Schema (03/2026). Collection method: clinical testing. Allele origin: germline.
Comment: The c.931C>T variant in POMGNT1 is a nonsense variant predicted to introduce a stop codon at amino acid 311. This variant is expected to result in nonsense mediated decay, truncation, or a dysfunctional protein product. This variant is rare in the general population with a frequency below the threshold expected for the associated phenotype(s). This variant has been observed in one or more individuals affected with the associated recessive disease, as either homozygous or compound heterozygous with a second variant (PMID: 17030669). Given the available evidence, this variant is classified as Pathogenic.

Fulgent Genetics
Classification: Pathogenic for Muscular dystrophy-dystroglycanopathy (congenital with brain and eye anomalies), type A3; Muscular dystrophy-dystroglycanopathy (congenital with impaired intellectual development), type B, 3; Autosomal recessive limb-girdle muscular dystrophy type 2O; Retinitis pigmentosa 76. Last evaluated: 2024-05-17. Review status: criteria provided, single submitter. Criteria: ACMG Guidelines, 2015. Collection method: clinical testing. Allele origin: germline.

Labcorp Genetics (formerly Invitae), Labcorp
Classification: Pathogenic for Autosomal recessive limb-girdle muscular dystrophy type 2O; Muscular dystrophy-dystroglycanopathy (congenital with impaired intellectual development), type B, 3. Last evaluated: 2023-12-14. Review status: criteria provided, single submitter. Criteria: Invitae Variant Classification Sherloc (09022015). Collection method: clinical testing. Allele origin: germline.
Comment: This sequence change creates a premature translational stop signal (p.Arg311*) in the POMGNT1 gene. It is expected to result in an absent or disrupted protein product. Loss-of-function variants in POMGNT1 are known to be pathogenic (PMID: 19299310, 20816175, 21447391, 26908613, 27391550). This variant is not present in population databases (gnomAD no frequency). This premature translational stop signal has been observed in individuals with muscular dystrophy-dystroglycanopathy (PMID: 17030669, 22554691). ClinVar contains an entry for this variant (Variation ID: 56610). For these reasons, this variant has been classified as Pathogenic.

Baylor Genetics
Classification: Pathogenic for Muscular dystrophy-dystroglycanopathy (congenital with brain and eye anomalies), type A3. Last evaluated: 2022-09-06. Review status: criteria provided, single submitter. Criteria: ACMG Guidelines, 2015. Collection method: clinical testing. Allele origin: unknown.

Athena Diagnostics
Classification: Pathogenic. Last evaluated: 2018-11-27. Review status: criteria provided, single submitter. Criteria: Athena Diagnostics Criteria. Collection method: clinical testing. Allele origin: germline.
Comment: The variant creates a premature nonsense codon, and is therefore predicted to result in the loss of a functional protein. Found in at least one symptomatic patient, and not found in general population data.

Eurofins Ntd Llc (ga)
Classification: Pathogenic. Last evaluated: 2013-06-11. Review status: criteria provided, single submitter. Criteria: EGL Classification Definitions 2015. Collection method: clinical testing. Allele origin: germline. Observed: 2 variant alleles, 2 heterozygotes.

Counsyl
Classification: Likely pathogenic for Autosomal recessive limb-girdle muscular dystrophy type 2O. Last evaluated: 2015-04-02. Review status: no assertion criteria provided. Collection method: clinical testing. Allele origin: unknown. Not counted in ClinVar's aggregate classification.

Counsyl
Classification: Likely pathogenic for Retinitis pigmentosa 76. Last evaluated: 2015-04-02. Review status: no assertion criteria provided. Collection method: clinical testing. Allele origin: unknown. Not counted in ClinVar's aggregate classification.

Counsyl
Classification: Likely pathogenic for Muscular dystrophy-dystroglycanopathy (congenital with brain and eye anomalies), type A3. Last evaluated: 2015-04-02. Review status: no assertion criteria provided. Collection method: clinical testing. Allele origin: unknown. Not counted in ClinVar's aggregate classification.

Counsyl
Classification: Likely pathogenic for Muscular dystrophy-dystroglycanopathy (congenital with impaired intellectual development), type B, 3. Last evaluated: 2015-04-02. Review status: no assertion criteria provided. Collection method: clinical testing. Allele origin: unknown. Not counted in ClinVar's aggregate classification.

Juha Muilu Group; Institute for Molecular Medicine Finland (FIMM)
Classification: Likely pathogenic for Muscle eye brain disease. Review status: no assertion criteria provided. Collection method: not provided. Allele origin: unknown. Not counted in ClinVar's aggregate classification.
Comment: FinDis database variant: This variant was not found or characterized by our laboratory, data were collected from public sources: see reference
ClinVar note: Converted during submission from probable-pathogenic to Likely pathogenic.

Literature cited by the submitters: PubMed 17030669 (cited by 4 submitters); PubMed 19299310 (cited by Labcorp Genetics (formerly Invitae), Labcorp); PubMed 20816175 (cited by Labcorp Genetics (formerly Invitae), Labcorp); PubMed 21447391 (cited by Labcorp Genetics (formerly Invitae), Labcorp); PubMed 26908613 (cited by Labcorp Genetics (formerly Invitae), Labcorp); PubMed 27391550 (cited by Labcorp Genetics (formerly Invitae), Labcorp); PubMed 22554691 (cited by 3 submitters); PubMed 25525159 (cited by Athena Diagnostics); PubMed 11709191 (cited by Athena Diagnostics).

NM_017739.4(POMGNT1):c.931C>T (p.Arg311Ter)

Genes: POMGNT1 (protein O-linked mannose N-acetylglucosaminyltransferase 1 (beta 1,2-); minus strand), TSPAN1 (tetraspanin 1; plus strand). Cytogenetic location: 1p34.1.
Variant type: single nucleotide variant.
Coding change: c.931C>T on transcript NM_017739.4 (MANE Select); coding-DNA position 931, C replaced by T.
Protein change: p.Arg311Ter; replaces arginine 311 with a stop codon.
Molecular consequence: nonsense.
Genome position (GRCh38, 1-based): chr1:46,193,874, G>A on the plus strand (C>T on the coding strand, the complement: POMGNT1 is on the minus strand). VCF-style: chr1-46193874-G-A. GRCh37 (hg19) VCF-style: chr1-46659546-G-A.
Other names: c.931C>T, p.Arg311Ter (NM_001243766.2, NM_001410783.1); c.865C>T, p.Arg289Ter (NM_001290129.3); c.502C>T, p.Arg168Ter (NM_001290130.2); c.931C>T (NM_001243766.1); short protein forms R311*, R289*, R168*.
Identifiers: ClinVar variation 56610 (VCV000056610.23), dbSNP rs386834039, ClinGen allele CA223256.